The following is an entry in ClinVar:

ClinVar aggregate classification (germline): Uncertain significance (1 of 4 stars; one submission).

Submission:

Labcorp Genetics (formerly Invitae), Labcorp
Classification: Uncertain significance. Last evaluated: 2025-12-13. Review status: criteria provided, single submitter. Criteria: Invitae Variant Classification Sherloc (09022015). Collection method: clinical testing. Allele origin: germline.
Comment: This sequence change replaces leucine, which is neutral and non-polar, with phenylalanine, which is neutral and non-polar, at codon 1910 of the ATR protein (p.Leu1910Phe). This variant is not present in population databases (gnomAD no frequency). This variant has not been reported in the literature in individuals affected with ATR-related conditions. An algorithm developed to predict the effect of missense changes on protein structure and function (PolyPhen-2) suggests that this variant is likely to be disruptive. In summary, the available evidence is currently insufficient to determine the role of this variant in disease. Therefore, it has been classified as a Variant of Uncertain Significance.

NM_001184.4(ATR):c.5728C>T (p.Leu1910Phe)

Gene: ATR (ATR checkpoint kinase; minus strand). Cytogenetic location: 3q23.
Variant type: single nucleotide variant.
Coding change: c.5728C>T on transcript NM_001184.4 (MANE Select); coding-DNA position 5728, C replaced by T.
Protein change: p.Leu1910Phe; replaces leucine 1910 with phenylalanine.
Molecular consequence: missense variant.
Genome position (GRCh38, 1-based): chr3:142,497,023, G>A on the plus strand (C>T on the coding strand, the complement: ATR is on the minus strand). VCF-style: chr3-142497023-G-A. GRCh37 (hg19) VCF-style: chr3-142215865-G-A.
Other names: c.5536C>T, p.Leu1846Phe (NM_001354579.2); short protein forms L1846F, L1910F.
Identifiers: ClinVar variation 4733059 (VCV004733059.1).